The following is an entry in ClinVar:

NM_000179.3(MSH6):c.983G>C (p.Ser328Thr)

Gene: MSH6 (mutS homolog 6; plus strand). Cytogenetic location: 2p16.3.
Variant type: single nucleotide variant.
Coding change: c.983G>C on transcript NM_000179.3 (MANE Select); coding-DNA position 983, G replaced by C.
Protein change: p.Ser328Thr; replaces serine 328 with threonine.
Molecular consequence: missense variant.
Genome position (GRCh38, 1-based): chr2:47,798,966, G>C. VCF-style: chr2-47798966-G-C. GRCh37 (hg19) VCF-style: chr2-48026105-G-C.
Other names: c.593G>C, p.Ser198Thr (NM_001281492.2); c.77G>C, p.Ser26Thr (NM_001281493.2, NM_001281494.2); short protein forms S328T, S198T, S26T.
Identifiers: ClinVar variation 410402 (VCV000410402.12), dbSNP rs1060502879, ClinGen allele CA16610903.

ClinVar aggregate classification (germline): Uncertain significance. Review status: criteria provided, multiple submitters, no conflicts (2 of 4 stars). 2 submissions from 2 submitters: Uncertain significance (2). Last evaluated 2026-04-04.

Conditions:
Hereditary nonpolyposis colorectal neoplasms. Identifiers: MedGen C0009405, MeSH D003123.
Hereditary cancer-predisposing syndrome. Also called: Hereditary Cancer Syndrome; Tumor predisposition; Hereditary neoplastic syndrome; Neoplastic Syndromes, Hereditary. Identifiers: Orphanet 140162, MedGen C0027672, MeSH D009386, MONDO:0015356.

Submissions (2):

Ambry Genetics
Classification: Uncertain significance for Hereditary cancer-predisposing syndrome. Last evaluated: 2026-04-04. Review status: criteria provided, single submitter. Criteria: Ambry Variant Classification Scheme 2023. Collection method: clinical testing. Allele origin: germline.
Comment: The p.S328T variant (also known as c.983G>C), located in coding exon 4 of the MSH6 gene, results from a G to C substitution at nucleotide position 983. The serine at codon 328 is replaced by threonine, an amino acid with similar properties. This amino acid position is conserved. In addition, this alteration is predicted to be tolerated by in silico analysis. Based on the available evidence, the clinical significance of this variant remains unclear.

Labcorp Genetics (formerly Invitae), Labcorp
Classification: Uncertain significance for Hereditary nonpolyposis colorectal neoplasms. Last evaluated: 2016-05-23. Review status: criteria provided, single submitter. Criteria: Invitae Variant Classification Sherloc (09022015). Collection method: clinical testing. Allele origin: germline.
Comment: This sequence change replaces serine with threonine at codon 328 of the MSH6 protein (p.Ser328Thr). The serine residue is weakly conserved and there is a small physicochemical difference between serine and threonine. This variant is not present in population databases (ExAC no frequency) and has not been reported in the literature in individuals with a MSH6-related disease. Algorithms developed to predict the effect of missense changes on protein structure and function (SIFT, PolyPhen-2, Align-GVGD) all suggest that this variant is likely to be tolerated, but these predictions have not been confirmed by published functional studies. In summary, this variant is a novel missense change that is not predicted to affect protein function. There is no indication that it causes disease, but the available evidence is currently insufficient to prove that conclusively. Therefore, it has been classified as a Variant of Uncertain Significance.